The following is an entry in ClinVar:

NM_001077365.2(POMT1):c.1699-11T>G

Gene: POMT1 (protein O-mannosyltransferase 1; plus strand). Cytogenetic location: 9q34.13.
Variant type: single nucleotide variant.
Coding change: c.1699-11T>G on transcript NM_001077365.2 (MANE Select); 11 bases into the intron before coding-DNA position 1699, T replaced by G.
Molecular consequence: intron variant.
Genome position (GRCh38, 1-based): chr9:131,521,335, T>G. VCF-style: chr9-131521335-T-G. GRCh37 (hg19) VCF-style: chr9-134396722-T-G.
Other names: c.1603-11T>G (NM_001353198.2, NM_001353197.2); c.1765-11T>G (NM_001353193.2, NM_007171.4); c.1699-11T>G (NM_001136113.2); c.1537-11T>G (NM_001353194.2, NM_001077366.2); c.1348-11T>G (NM_001374691.1, NM_001353195.2, NM_001374692.1 and 2 more transcripts); c.1480-11T>G (NM_001374690.1); c.1609-11T>G (NM_001353196.2); c.1309-11T>G (NM_001374695.1); and 3 more.
Identifiers: ClinVar variation 2078890 (VCV002078890.1), dbSNP rs761021995, ClinGen allele CA590754997.

ClinVar aggregate classification (germline): Uncertain significance (1 of 4 stars; one submission).

Conditions:
Muscular dystrophy-dystroglycanopathy (congenital with impaired intellectual development), type B, 1. Also called: Muscular dystrophy-dystroglycanopathy (congenital with intellectual disability), type B1; MUSCULAR DYSTROPHY, CONGENITAL, POMT1-RELATED. Identifiers: MedGen C5436962, MONDO:0013159, OMIM 613155.
Walker-Warburg congenital muscular dystrophy. Also called: Muscular dystrophy-dystroglycanopathy, type A; Walker-Warburg syndrome. Identifiers: Orphanet 899, MedGen C0265221, MONDO:0000171.
Autosomal recessive limb-girdle muscular dystrophy type 2K. Also called: MUSCULAR DYSTROPHY-DYSTROGLYCANOPATHY (LIMB-GIRDLE), TYPE C, 1; MUSCULAR DYSTROPHY, LIMB-GIRDLE, TYPE 2K. Identifiers: Orphanet 86812, MedGen C1836373, MONDO:0012248, OMIM 609308.

Allele frequency attached by ClinVar (database versions not stated): gnomAD 0.00001; TOPMed 0.00001.
gnomAD v4.1: 12 of 1,613,942 alleles (0.00074%); highest among the groups gnomAD compares: Non-Finnish European, 0.001%; no homozygotes.

Submission:

Labcorp Genetics (formerly Invitae), Labcorp
Classification: Uncertain significance for Muscular dystrophy-dystroglycanopathy (congenital with impaired intellectual development), type B, 1; Walker-Warburg congenital muscular dystrophy; Autosomal recessive limb-girdle muscular dystrophy type 2K. Last evaluated: 2022-06-18. Review status: criteria provided, single submitter. Criteria: Invitae Variant Classification Sherloc (09022015). Collection method: clinical testing. Allele origin: germline.
Comment: This sequence change falls in intron 17 of the POMT1 gene. It does not directly change the encoded amino acid sequence of the POMT1 protein. This variant is present in population databases (no rsID available, gnomAD 0.0009%). This variant has not been reported in the literature in individuals affected with POMT1-related conditions. Algorithms developed to predict the effect of sequence changes on RNA splicing suggest that this variant may disrupt the consensus splice site. In summary, the available evidence is currently insufficient to determine the role of this variant in disease. Therefore, it has been classified as a Variant of Uncertain Significance.